The following is an entry in ClinVar:

ClinVar aggregate classification (germline): Likely pathogenic (1 of 4 stars; one submission).

Conditions:
Megabladder, congenital. Identifiers: MedGen C5231472, MONDO:0032879, OMIM 618719.

Submission:

Juno Genomics, Hangzhou Juno Genomics, Inc
Classification: Likely pathogenic for Megabladder, congenital. Review status: criteria provided, single submitter. Criteria: ACMG Guidelines, 2015. Collection method: clinical testing. Allele origin: germline. Affected: yes.
Comment: Null variant in a gene where loss of function (LOF) is a known mechanism of disease.;Absent from controls (or at extremely low frequency if recessive) in Genome Aggregation Database, Exome Sequencing Project, 1000 Genomes Project, or Exome Aggregation Consortium.

NM_001146312.3(MYOCD):c.55+2T>C

Gene: MYOCD (myocardin; plus strand). Cytogenetic location: 17p12.
Variant type: single nucleotide variant.
Coding change: c.55+2T>C on transcript NM_001146312.3 (MANE Select); the canonical splice donor site of the intron after coding-DNA position 55, T replaced by C.
Molecular consequence: splice donor variant.
Genome position (GRCh38, 1-based): chr17:12,666,245, T>C. VCF-style: chr17-12666245-T-C. GRCh37 (hg19) VCF-style: chr17-12569562-T-C.
Other names: c.-227+2T>C (NM_001378306.1); c.55+2T>C (NM_153604.4).
Identifiers: ClinVar variation 3382937 (VCV003382937.2).